The following is an entry in ClinVar:

NM_003002.4(SDHD):c.167A>G (p.His56Arg)

Gene: SDHD (succinate dehydrogenase complex subunit D; plus strand). Cytogenetic location: 11q23.1.
Variant type: single nucleotide variant.
Coding change: c.167A>G on transcript NM_003002.4 (MANE Select); coding-DNA position 167, A replaced by G.
Protein change: p.His56Arg; replaces histidine 56 with arginine.
Molecular consequence: missense variant. On other transcripts: non-coding transcript variant (1), intron variant (1).
Genome position (GRCh38, 1-based): chr11:112,087,971, A>G. VCF-style: chr11-112087971-A-G. GRCh37 (hg19) VCF-style: chr11-111958695-A-G.
Other names: c.167A>G, p.His56Arg (NM_001276503.2, NM_001276506.2); c.53-896A>G (NM_001276504.2); c.167A>G (NM_003002.2); short protein forms H56R.
Identifiers: ClinVar variation 1399547 (VCV001399547.10), dbSNP rs1555186817, ClinGen allele CA382617131.

ClinVar aggregate classification (germline): Uncertain significance. Review status: criteria provided, multiple submitters, no conflicts (2 of 4 stars). 3 submissions from 3 submitters: Uncertain significance (3). Last evaluated 2024-01-06.

Conditions:
Carney-Stratakis syndrome. Also called: PARAGANGLIOMA AND GASTROINTESTINAL STROMAL TUMOR. Identifiers: Orphanet 97286, MedGen C1847319, MONDO:0011740, OMIM 606864.
Pheochromocytoma. Also called: MAX-Related Hereditary Paraganglioma-Pheochromocytoma Syndrome. Identifiers: Orphanet 29072, MedGen C0031511, MONDO:0008233, OMIM 171300, HP:0002666.
Paragangliomas with sensorineural hearing loss. Identifiers: MedGen C1868633.
Cowden syndrome 3 (CWS3). Identifiers: Orphanet 201, MedGen CN166604, MONDO:0014045.
Mitochondrial complex 2 deficiency, nuclear type 3. Also called: MITOCHONDRIAL COMPLEX II DEFICIENCY, NUCLEAR TYPE 3. Identifiers: MedGen C5436934, MONDO:0030937, OMIM 619167.
Hereditary cancer-predisposing syndrome. Also called: Hereditary Cancer Syndrome; Hereditary neoplastic syndrome; Tumor predisposition; Neoplastic Syndromes, Hereditary. Identifiers: Orphanet 140162, MedGen C0027672, MeSH D009386, MONDO:0015356.

Allele frequency attached by ClinVar (database versions not stated): TOPMed below 0.00001.
gnomAD v4.1: 1 of 1,595,432 alleles (0.000063%); no homozygotes.

Submissions (3):

Ambry Genetics
Classification: Uncertain significance for Hereditary cancer-predisposing syndrome. Last evaluated: 2024-01-06. Review status: criteria provided, single submitter. Criteria: Ambry Variant Classification Scheme 2023. Collection method: clinical testing. Allele origin: germline.
Comment: The p.H56R variant (also known as c.167A>G), located in coding exon 2 of the SDHD gene, results from an A to G substitution at nucleotide position 167. The histidine at codon 56 is replaced by arginine, an amino acid with highly similar properties. This amino acid position is conserved. In addition, the in silico prediction for this alteration is inconclusive. Since supporting evidence is limited at this time, the clinical significance of this alteration remains unclear.

Baylor Genetics
Classification: Uncertain significance for Mitochondrial complex 2 deficiency, nuclear type 3. Last evaluated: 2023-11-13. Review status: criteria provided, single submitter. Criteria: ACMG Guidelines, 2015. Collection method: clinical testing. Allele origin: unknown.

Labcorp Genetics (formerly Invitae), Labcorp
Classification: Uncertain significance for Carney-Stratakis syndrome; Paragangliomas with sensorineural hearing loss; Pheochromocytoma; Cowden syndrome 3. Last evaluated: 2023-02-03. Review status: criteria provided, single submitter. Criteria: Invitae Variant Classification Sherloc (09022015). Collection method: clinical testing. Allele origin: germline.
Comment: This sequence change replaces histidine, which is basic and polar, with arginine, which is basic and polar, at codon 56 of the SDHD protein (p.His56Arg). This variant is not present in population databases (gnomAD no frequency). This variant has not been reported in the literature in individuals affected with SDHD-related conditions. ClinVar contains an entry for this variant (Variation ID: 1399547). Algorithms developed to predict the effect of missense changes on protein structure and function (SIFT, PolyPhen-2, Align-GVGD) all suggest that this variant is likely to be tolerated. In summary, the available evidence is currently insufficient to determine the role of this variant in disease. Therefore, it has been classified as a Variant of Uncertain Significance.